The following is an entry in ClinVar:

ClinVar aggregate classification (germline): Conflicting classifications of pathogenicity. Review status: criteria provided, conflicting classifications (1 of 4 stars). 4 submissions from 4 submitters: Uncertain significance (1); Benign (1); Likely benign (2). Last evaluated 2026-01-20.

Conditions:
Isolated growth hormone deficiency type IB (IGHD1B). Also called: IGHD 1B; IGHD IB. Identifiers: Orphanet 231671, Orphanet 631, MedGen C2748571, MONDO:0013006, OMIM 612781.

Allele frequency attached by ClinVar (database versions not stated): 1000 Genomes Project 0.00140; 1000 Genomes Project 30x 0.00141; gnomAD exomes 0.00204 and 0.00349; ExAC 0.00224; TOPMed 0.00241; gnomAD 0.00255 and 0.00262; ESP Exome Variant Server 0.00308.
gnomAD v4.1: 5,389 of 1,613,086 alleles (0.33%); highest among the groups gnomAD compares: Non-Finnish European, 0.43%; 16 homozygotes.

Submissions (4):

Labcorp Genetics (formerly Invitae), Labcorp
Classification: Benign. Last evaluated: 2026-01-20. Review status: criteria provided, single submitter. Criteria: Invitae Variant Classification Sherloc (09022015). Collection method: clinical testing. Allele origin: germline.

Blueprint Genetics
Classification: Likely benign. Last evaluated: 2024-11-20. Review status: criteria provided, single submitter. Criteria: ACMG Guidelines, 2015. Collection method: clinical testing. Allele origin: germline.

CeGaT Center for Human Genetics Tuebingen
Classification: Likely benign. Last evaluated: 2022-11-01. Review status: criteria provided, single submitter. Criteria: CeGaT Center For Human Genetics Tuebingen Variant Classification Criteria Version 2. Collection method: clinical testing. Allele origin: germline. Affected: yes. Observed: 1 variant allele.
Comment: GHRHR: BS2

Illumina Laboratory Services, Illumina
Classification: Uncertain significance for Isolated growth hormone deficiency type IB. Last evaluated: 2017-04-27. Review status: criteria provided, single submitter. Criteria: ICSL Variant Classification Criteria 13 December 2019. Collection method: clinical testing. Allele origin: germline.
Comment: This variant was observed as part of a predisposition screen in an ostensibly healthy population. A literature search was performed for the gene, cDNA change, and amino acid change (where applicable). Publications were found based on this search. However, the evidence from the literature, in combination with allele frequency data from public databases where available, was not sufficient to rule this variant in or out of causing disease. Therefore, this variant is classified as a variant of unknown significance.

Literature cited by the submitters: PubMed 22489751 (cited by Illumina Laboratory Services, Illumina).

NM_000823.4(GHRHR):c.751+12G>A

Gene: GHRHR (growth hormone releasing hormone receptor; plus strand). Cytogenetic location: 7p14.3.
Variant type: single nucleotide variant.
Coding change: c.751+12G>A on transcript NM_000823.4 (MANE Select); 12 bases into the intron after coding-DNA position 751, G replaced by A.
Molecular consequence: intron variant.
Genome position (GRCh38, 1-based): chr7:30,974,150, G>A. VCF-style: chr7-30974150-G-A. GRCh37 (hg19) VCF-style: chr7-31013765-G-A.
Identifiers: ClinVar variation 912020 (VCV000912020.36), dbSNP rs187794371, ClinGen allele CA4208615.
Genomic context (GRCh38, chr7:30,974,150, plus strand): 5'-TCCCCCAGCTCAAGGAGAGCCTTCTGGTGGCTGGTTCTCGCTGGCTGGGGTGAGCACTGA[G>A]GGCGGGTTGGGCACCATGGGGAGGTAAAGGGCTGGAAAGGCCCAGGGAGTTTACATAAAG-3'